The following is an entry in ClinVar:

NM_000179.3(MSH6):c.138G>C (p.Gly46=)

Gene: MSH6 (mutS homolog 6; plus strand). Cytogenetic location: 2p16.3.
Variant type: single nucleotide variant.
Coding change: c.138G>C on transcript NM_000179.3 (MANE Select); coding-DNA position 138, G replaced by C.
Protein change: p.Gly46=; no amino-acid change (glycine 46 retained).
Molecular consequence: synonymous variant. On other transcripts: 5 prime UTR variant (7), missense variant (1), non-coding transcript variant (5), intron variant (5).
Genome position (GRCh38, 1-based): chr2:47,783,371, G>C. VCF-style: chr2-47783371-G-C. GRCh37 (hg19) VCF-style: chr2-48010510-G-C.
Other names: c.138G>C, p.Gly46= (NM_001281492.2, NM_001406795.1, NM_001406796.1 and 9 more transcripts); c.-599G>C (NM_001281493.2, NM_001406811.1); c.-191G>C (NM_001406799.1); c.83G>C, p.Gly28Ala (NM_001406804.1); c.-791G>C (NM_001406807.1); c.-446G>C (NM_001406812.1); c.-857G>C (NM_001406814.1); c.-402G>C (NM_001406816.1); and 3 more; short protein forms G28A.
Identifiers: ClinVar variation 3652390 (VCV003652390.3).

ClinVar aggregate classification (germline): Benign/Likely benign. Review status: criteria provided, multiple submitters, no conflicts (2 of 4 stars). 2 submissions from 2 submitters: Benign (1); Likely benign (1). Last evaluated 2024-12-17.

Conditions:
Hereditary nonpolyposis colorectal neoplasms. Identifiers: MedGen C0009405, MeSH D003123.
Lynch syndrome 5 (LYNCH5). Also called: Colorectal cancer, hereditary nonpolyposis, type 5; Hereditary non-polyposis colorectal cancer, type 5. Identifiers: Orphanet 144, MedGen C1833477, MONDO:0013710, OMIM 614350. Disease mechanism: loss of function.

Submissions (2):

Myriad Genetics, Inc.
Classification: Benign for Lynch syndrome 5. Last evaluated: 2024-12-17. Review status: criteria provided, single submitter. Criteria: Myriad Autosomal Dominant, Autosomal Recessive and X-Linked Classification Criteria (2023). Collection method: clinical testing. Allele origin: unknown.
Comment: This variant is considered benign. This variant is a silent/synonymous amino acid change and it is not expected to impact splicing.

Labcorp Genetics (formerly Invitae), Labcorp
Classification: Likely benign for Hereditary nonpolyposis colorectal neoplasms. Last evaluated: 2024-05-06. Review status: criteria provided, single submitter. Criteria: Invitae Variant Classification Sherloc (09022015). Collection method: clinical testing. Allele origin: germline.